The following is an entry in ClinVar:

ClinVar aggregate classification (germline): Pathogenic. Review status: reviewed by expert panel (3 of 4 stars). 8 submissions from 8 submitters: Pathogenic (1). 7 of the submissions do not count toward it. Last evaluated 2016-10-18.

Conditions:
BRCA2-related disorder. Also called: BRCA2-related condition; BRCA2-related disorders. Identifiers: MedGen CN239275.
Hereditary cancer-predisposing syndrome. Also called: Tumor predisposition; Hereditary Cancer Syndrome; Hereditary neoplastic syndrome; Neoplastic Syndromes, Hereditary. Identifiers: Orphanet 140162, MedGen C0027672, MeSH D009386, MONDO:0015356.
Hereditary breast ovarian cancer syndrome. Also called: Breast and ovarian cancer; Hereditary breast and ovarian cancer; Hereditary breast and ovarian cancer syndrome; Hereditary breast and ovarian cancer syndrome (HBOC); BRCA1- and BRCA2-Associated Hereditary Breast and Ovarian Cancer; Hereditary breast and/or ovarian cancer syndrome. Identifiers: Orphanet 145, MedGen C0677776, MeSH D061325, MONDO:0003582. Disease mechanism: loss of function.
Breast-ovarian cancer, familial, susceptibility to, 2 (BROVCA2). Also called: BRCA2 Hereditary Breast and Ovarian Cancer. Identifiers: Orphanet 145, MedGen C2675520, MONDO:0012933, OMIM 612555. Disease mechanism: loss of function.

Submissions (8):

Evidence-based Network for the Interpretation of Germline Mutant Alleles (ENIGMA)
Classification: Pathogenic for Breast-ovarian cancer, familial, susceptibility to, 2. Last evaluated: 2016-10-18. Review status: reviewed by expert panel. Criteria: ENIGMA BRCA1/2 Classification Criteria (2015). Collection method: curation. Allele origin: germline.
Comment: Variant allele predicted to encode a truncated non-functional protein.

Color Diagnostics, LLC DBA Color Health
Classification: Pathogenic for Hereditary cancer-predisposing syndrome. Last evaluated: 2025-10-06. Review status: criteria provided, single submitter. Criteria: ACMG Guidelines, 2015. Collection method: clinical testing. Allele origin: germline. Not counted in ClinVar's aggregate classification.
Comment: This variant deletes 1 nucleotide in exon 11 of the BRCA2 gene, creating a frameshift and premature translation stop signal. This variant is expected to result in an absent or non-functional protein product. This variant has been reported in 2 individuals affected with breast and/or ovarian cancer (PMID: 25186627, Color internal data) and has been identified in 1 family among the CIMBA participants (PMID: 29446198). This variant has not been identified in the general population by the Genome Aggregation Database (gnomAD). Loss of BRCA2 function is a known mechanism of disease. Based on the available evidence, this variant is classified as Pathogenic.

Labcorp Genetics (formerly Invitae), Labcorp
Classification: Pathogenic for Hereditary breast ovarian cancer syndrome. Last evaluated: 2024-05-29. Review status: criteria provided, single submitter. Criteria: Invitae Variant Classification Sherloc (09022015). Collection method: clinical testing. Allele origin: germline. Not counted in ClinVar's aggregate classification.
Comment: This sequence change creates a premature translational stop signal (p.Pro2107Leufs*12) in the BRCA2 gene. It is expected to result in an absent or disrupted protein product. Loss-of-function variants in BRCA2 are known to be pathogenic (PMID: 20104584). This variant is not present in population databases (gnomAD no frequency). This premature translational stop signal has been observed in individual(s) with a personal history or increased risk of breast and ovarian cancers (PMID: 25186627, 29446198). ClinVar contains an entry for this variant (Variation ID: 266939). For these reasons, this variant has been classified as Pathogenic.

Ambry Genetics
Classification: Pathogenic for Hereditary cancer-predisposing syndrome. Last evaluated: 2023-12-27. Review status: criteria provided, single submitter. Criteria: Ambry Variant Classification Scheme 2023. Collection method: clinical testing. Allele origin: germline. Not counted in ClinVar's aggregate classification.
Comment: The c.6320delC pathogenic mutation, located in coding exon 10 of the BRCA2 gene, results from a deletion of one nucleotide at nucleotide position 6320, causing a translational frameshift with a predicted alternate stop codon (p.P2107Lfs*12). This alteration was identified in a large, worldwide study of BRCA1/2 mutation positive families (Rebbeck TR et al. Hum Mutat, 2018 05;39:593-620). In addition to the clinical data presented in the literature, this alteration is expected to result in loss of function by premature protein truncation or nonsense-mediated mRNA decay. As such, this alteration is interpreted as a disease-causing mutation.

GeneDx
Classification: Pathogenic. Last evaluated: 2023-12-19. Review status: criteria provided, single submitter. Criteria: GeneDx Variant Classification Process June 2021. Collection method: clinical testing. Allele origin: germline. Affected: yes. Not counted in ClinVar's aggregate classification.
Comment: Frameshift variant predicted to result in protein truncation or nonsense mediated decay in a gene for which loss of function is a known mechanism of disease; Observed in an individual with a personal and family history consistent with pathogenic variants in this gene (PMID: 25186627); Not observed at significant frequency in large population cohorts (gnomAD); Truncating variants in this gene are considered pathogenic by a well-established clinical consortium and/or database; Also known as 6548del; This variant is associated with the following publications: (PMID: 29446198, 20104584, 25186627)

Blueprint Genetics
Classification: Pathogenic for BRCA2-related disorders. Last evaluated: 2023-03-13. Review status: criteria provided, single submitter. Criteria: ACMG Guidelines, 2015. Collection method: clinical testing. Allele origin: germline. Affected: yes. Observed: 1 variant allele. Not counted in ClinVar's aggregate classification.

Quest Diagnostics Nichols Institute San Juan Capistrano
Classification: Pathogenic. Last evaluated: 2023-01-10. Review status: criteria provided, single submitter. Criteria: Quest Diagnostics criteria. Collection method: clinical testing. Allele origin: unknown. Not counted in ClinVar's aggregate classification.
Comment: This frameshift variant alters the translational reading frame of the BRCA2 mRNA and causes the premature termination of BRCA2 protein synthesis. It has not been reported in large, multi-ethnic general populations. In the published literature, the variant has been reported in an individual with breast and ovarian cancer (PMID: 25186627 (2015)), as well as a family with a history of hereditary breast and/or ovarian cancer (PMID: 29446198 (2018)). Based on the available information, this variant is classified as pathogenic.

Consortium of Investigators of Modifiers of BRCA1/2 (CIMBA), c/o University of Cambridge
Classification: Pathogenic for Breast-ovarian cancer, familial, susceptibility to, 2. Last evaluated: 2015-10-02. Review status: criteria provided, single submitter. Criteria: CIMBA Mutation Classification guidelines May 2016. Collection method: clinical testing. Allele origin: germline. Not counted in ClinVar's aggregate classification.

Literature cited by the submitters: PubMed 25186627 (cited by 4 submitters); PubMed 29446198 (cited by 4 submitters); PubMed 20104584 (cited by Labcorp Genetics (formerly Invitae), Labcorp).

NM_000059.4(BRCA2):c.6320del (p.Pro2107fs)

Gene: BRCA2 (BRCA2 DNA repair associated; plus strand). Cytogenetic location: 13q13.1.
Variant type: Deletion.
Coding change: c.6320del on transcript NM_000059.4 (MANE Select); coding-DNA position 6320, one base deleted (C; older notation c.6320delC).
Protein change: p.Pro2107fs; shifts the reading frame from proline 2107.
Molecular consequence: frameshift variant.
Genome position (GRCh38, 1-based): chr13:32,340,675, C deleted; the last of 2 consecutive C bases (chr13:32,340,674-32,340,675); deleting either gives the same sequence. VCF-style (leftmost placement, unchanged base first): chr13-32340673-TC-T. GRCh37 (hg19) VCF-style: chr13-32914810-TC-T.
Other names: 6548delC; c.6320delC (NM_000059.3).
Identifiers: ClinVar variation 266939 (VCV000266939.19), dbSNP rs886040650, ClinGen allele CA10589369.